The following is an entry in ClinVar:

ClinVar aggregate classification (germline): Uncertain significance. Review status: criteria provided, multiple submitters, no conflicts (2 of 4 stars). 2 submissions from 2 submitters: Uncertain significance (2). Last evaluated 2026-05-27.

Conditions:
Hereditary cancer-predisposing syndrome. Also called: Neoplastic Syndromes, Hereditary; Tumor predisposition; Hereditary Cancer Syndrome; Hereditary neoplastic syndrome. Identifiers: Orphanet 140162, MedGen C0027672, MeSH D009386, MONDO:0015356.
Retinoblastoma (RB1). Also called: RETINOBLASTOMA, SOMATIC. Identifiers: Orphanet 790, MedGen C0035335, MeSH D012175, MONDO:0008380, OMIM 180200, HP:0009919. Disease mechanism: loss of function. Inheritance: Both sporadic and heritable forms are tested..

Allele frequency attached by ClinVar (database versions not stated): gnomAD exomes below 0.00001; ExAC 0.00001.
gnomAD v4.1: 2 of 1,614,062 alleles (0.00012%); highest among the groups gnomAD compares: South Asian, 0.0011%; no homozygotes.

Submissions (2):

Ambry Genetics
Classification: Uncertain significance for Hereditary cancer-predisposing syndrome. Last evaluated: 2026-05-27. Review status: criteria provided, single submitter. Criteria: Ambry Variant Classification Scheme 2023. Collection method: clinical testing. Allele origin: germline.
Comment: The p.S608C variant (also known as c.1823C>G), located in coding exon 19 of the RB1 gene, results from a C to G substitution at nucleotide position 1823. The serine at codon 608 is replaced by cysteine, an amino acid with dissimilar properties. This amino acid position is highly conserved in available vertebrate species. In addition, this alteration is predicted to be deleterious by in silico analysis. Based on the available evidence, the clinical significance of this variant remains unclear.

Labcorp Genetics (formerly Invitae), Labcorp
Classification: Uncertain significance for Retinoblastoma. Last evaluated: 2022-03-16. Review status: criteria provided, single submitter. Criteria: Invitae Variant Classification Sherloc (09022015). Collection method: clinical testing. Allele origin: germline.
Comment: In summary, the available evidence is currently insufficient to determine the role of this variant in disease. Therefore, it has been classified as a Variant of Uncertain Significance. Algorithms developed to predict the effect of missense changes on protein structure and function (SIFT, PolyPhen-2, Align-GVGD) all suggest that this variant is likely to be disruptive. This variant has not been reported in the literature in individuals affected with RB1-related conditions. This variant is present in population databases (rs775051210, gnomAD 0.003%). This sequence change replaces serine, which is neutral and polar, with cysteine, which is neutral and slightly polar, at codon 608 of the RB1 protein (p.Ser608Cys).

NM_000321.3(RB1):c.1823C>G (p.Ser608Cys)

Gene: RB1 (RB transcriptional corepressor 1; plus strand). Cytogenetic location: 13q14.2.
Variant type: single nucleotide variant.
Coding change: c.1823C>G on transcript NM_000321.3 (MANE Select); coding-DNA position 1823, C replaced by G.
Protein change: p.Ser608Cys; replaces serine 608 with cysteine.
Molecular consequence: missense variant.
Genome position (GRCh38, 1-based): chr13:48,456,212, C>G. VCF-style: chr13-48456212-C-G. GRCh37 (hg19) VCF-style: chr13-49030348-C-G.
Other names: c.1823C>G, p.Ser608Cys (NM_001407165.1); short protein forms S608C.
Identifiers: ClinVar variation 1941054 (VCV001941054.6), dbSNP rs775051210, ClinGen allele CA032761.